The following is an entry in ClinVar:

NM_001378452.1(ITPR1):c.1126C>T (p.Arg376Cys)

Gene: ITPR1 (inositol 1,4,5-trisphosphate receptor type 1; plus strand). Cytogenetic location: 3p26.1.
Variant type: single nucleotide variant.
Coding change: c.1126C>T on transcript NM_001378452.1 (MANE Select); coding-DNA position 1126, C replaced by T.
Protein change: p.Arg376Cys; replaces arginine 376 with cysteine.
Molecular consequence: missense variant.
Genome position (GRCh38, 1-based): chr3:4,658,253, C>T. VCF-style: chr3-4658253-C-T. GRCh37 (hg19) VCF-style: chr3-4699937-C-T.
Other names: c.1126C>T, p.Arg376Cys (NM_001099952.4); c.1081C>T, p.Arg361Cys (NM_001168272.2, NM_002222.7); short protein forms R361C, R376C.
Identifiers: ClinVar variation 3623346 (VCV003623346.2).

ClinVar aggregate classification (germline): Uncertain significance (1 of 4 stars; one submission).

gnomAD v4.1: 2 of 1,612,226 alleles (0.00012%); highest among the groups gnomAD compares: Non-Finnish European, 0.00017%; no homozygotes.

Submission:

Labcorp Genetics (formerly Invitae), Labcorp
Classification: Uncertain significance. Last evaluated: 2024-10-03. Review status: criteria provided, single submitter. Criteria: Invitae Variant Classification Sherloc (09022015). Collection method: clinical testing. Allele origin: germline.
Comment: This sequence change replaces arginine, which is basic and polar, with cysteine, which is neutral and slightly polar, at codon 361 of the ITPR1 protein (p.Arg361Cys). This variant is not present in population databases (gnomAD no frequency). This variant has not been reported in the literature in individuals affected with ITPR1-related conditions. Invitae Evidence Modeling of protein sequence and biophysical properties (such as structural, functional, and spatial information, amino acid conservation, physicochemical variation, residue mobility, and thermodynamic stability) indicates that this missense variant is not expected to disrupt ITPR1 protein function with a negative predictive value of 95%. In summary, the available evidence is currently insufficient to determine the role of this variant in disease. Therefore, it has been classified as a Variant of Uncertain Significance.